The following is an entry in ClinVar:

NM_001903.5(CTNNA1):c.1025A>G (p.Gln342Arg)

Gene: CTNNA1 (catenin alpha 1; plus strand). Cytogenetic location: 5q31.2.
Variant type: single nucleotide variant.
Coding change: c.1025A>G on transcript NM_001903.5 (MANE Select); coding-DNA position 1025, A replaced by G.
Protein change: p.Gln342Arg; replaces glutamine 342 with arginine.
Molecular consequence: missense variant.
Genome position (GRCh38, 1-based): chr5:138,827,681, A>G. VCF-style: chr5-138827681-A-G. GRCh37 (hg19) VCF-style: chr5-138163370-A-G.
Other names: c.1025A>G, p.Gln342Arg (NM_001290307.3, NM_001323982.2, NM_001323983.1 and 3 more transcripts); c.716A>G, p.Gln239Arg (NM_001290309.3); c.656A>G, p.Gln219Arg (NM_001290310.3); short protein forms Q219R, Q342R, Q239R.
Identifiers: ClinVar variation 647063 (VCV000647063.8), dbSNP rs1581178631, ClinGen allele CA361131214.

ClinVar aggregate classification (germline): Uncertain significance (1 of 4 stars; one submission).

Submission:

Labcorp Genetics (formerly Invitae), Labcorp
Classification: Uncertain significance. Last evaluated: 2022-07-05. Review status: criteria provided, single submitter. Criteria: Invitae Variant Classification Sherloc (09022015). Collection method: clinical testing. Allele origin: germline.
Comment: In summary, the available evidence is currently insufficient to determine the role of this variant in disease. Therefore, it has been classified as a Variant of Uncertain Significance. Algorithms developed to predict the effect of missense changes on protein structure and function are either unavailable or do not agree on the potential impact of this missense change (SIFT: "Deleterious"; PolyPhen-2: "Benign"; Align-GVGD: "Class C0"). ClinVar contains an entry for this variant (Variation ID: 647063). This variant has not been reported in the literature in individuals affected with CTNNA1-related conditions. This variant is not present in population databases (gnomAD no frequency). This sequence change replaces glutamine, which is neutral and polar, with arginine, which is basic and polar, at codon 342 of the CTNNA1 protein (p.Gln342Arg).